The following is an entry in ClinVar:

NM_170707.4(LMNA):c.897C>T (p.Ile299=)

Gene: LMNA (lamin A/C; plus strand). Cytogenetic location: 1q22.
Variant type: single nucleotide variant.
Coding change: c.897C>T on transcript NM_170707.4 (MANE Select); coding-DNA position 897, C replaced by T.
Protein change: p.Ile299=; no amino-acid change (isoleucine 299 retained).
Molecular consequence: synonymous variant.
Genome position (GRCh38, 1-based): chr1:156,135,273, C>T. VCF-style: chr1-156135273-C-T. GRCh37 (hg19) VCF-style: chr1-156105064-C-T.
Other names: c.561C>T, p.Ile187= (NM_001257374.3); c.654C>T, p.Ile218= (NM_001282624.2); c.897C>T, p.Ile299= (NM_001282625.2, NM_001282626.2, NM_005572.4 and 1 more transcripts).
Identifiers: ClinVar variation 476835 (VCV000476835.19), dbSNP rs762718963, ClinGen allele CA054647.
Genomic context (GRCh38, chr1:156,135,273, plus strand): 5'-GAGGAACAGCAACCTGGTGGGGGCTGCCCACGAGGAGCTGCAGCAGTCGCGCATCCGCAT[C>T]GACAGCCTCTCTGCCCAGCTCAGCCAGCTCCAGAAGCAGGTGATACCCCACCTCACCCCT-3'
Protein context (NP_733821.1, residues 289-309): HEELQQSRIR[Ile299=]DSLSAQLSQL

ClinVar aggregate classification (germline): Conflicting classifications of pathogenicity. Review status: criteria provided, conflicting classifications (1 of 4 stars). 5 submissions from 5 submitters: Uncertain significance (1); Likely benign (4). Last evaluated 2025-10-29.

Conditions:
Cardiovascular phenotype. Identifiers: MedGen CN230736.
Charcot-Marie-Tooth disease type 2. Also called: Charcot-Marie-Tooth type 2. Identifiers: Orphanet 64746, MedGen C0270914, MONDO:0018993.
Primary dilated cardiomyopathy (DCM). Also called: Dilated Cardiomyopathy. Identifiers: Orphanet 217604, MedGen C0007193, MeSH D002311, MONDO:0005021, HP:0001644. Inheritance: Various modes of inheritance.
Cardiomyopathy (CMYO). Also called: Cardiomyopathies. Identifiers: Orphanet 167848, MedGen C0878544, MONDO:0004994, HP:0001638. Inheritance: Various modes of inheritance.

Allele frequency attached by ClinVar (database versions not stated): TOPMed 0.00006.
gnomAD v4.1: 26 of 1,613,482 alleles (0.0016%); highest among the groups gnomAD compares: African/African-American, 0.016%; no homozygotes.

Submissions (5):

Labcorp Genetics (formerly Invitae), Labcorp
Classification: Likely benign for Charcot-Marie-Tooth disease type 2. Last evaluated: 2025-10-29. Review status: criteria provided, single submitter. Criteria: Invitae Variant Classification Sherloc (09022015). Collection method: clinical testing. Allele origin: germline.

All of Us Research Program, National Institutes of Health
Classification: Likely benign for Primary dilated cardiomyopathy. Last evaluated: 2023-08-15. Review status: criteria provided, single submitter. Criteria: ACMG Guidelines, 2015. Collection method: clinical testing. Allele origin: germline. Inheritance: Autosomal dominant inheritance. Observed: 3 variant alleles, 3 heterozygotes.
Comment: This study involves interpretation of variants in research participants for the purpose of population health screening. Participant phenotype was not available at the time of variant classification. Additional details can be found in publication PMID: 35346344, PMCID: PMC8962531

CHEO Genetics Diagnostic Laboratory, Children's Hospital of Eastern Ontario
Classification: Uncertain significance for Cardiomyopathy. Last evaluated: 2023-01-25. Review status: criteria provided, single submitter. Criteria: ACMG Guidelines, 2015. Collection method: clinical testing. Allele origin: germline.

Color Diagnostics, LLC DBA Color Health
Classification: Likely benign for Cardiomyopathy. Last evaluated: 2019-11-20. Review status: criteria provided, single submitter. Criteria: ACMG Guidelines, 2015. Collection method: clinical testing. Allele origin: germline.

Ambry Genetics
Classification: Likely benign for Cardiovascular phenotype. Last evaluated: 2016-03-28. Review status: criteria provided, single submitter. Criteria: Ambry Variant Classification Scheme 2023. Collection method: clinical testing. Allele origin: germline.